The following is an entry in ClinVar:

NM_000302.4(PLOD1):c.821T>C (p.Leu274Ser)

Gene: PLOD1 (procollagen-lysine,2-oxoglutarate 5-dioxygenase 1; plus strand). Cytogenetic location: 1p36.22.
Variant type: single nucleotide variant.
Coding change: c.821T>C on transcript NM_000302.4 (MANE Select); coding-DNA position 821, T replaced by C.
Protein change: p.Leu274Ser; replaces leucine 274 with serine.
Molecular consequence: missense variant.
Genome position (GRCh38, 1-based): chr1:11,957,921, T>C. VCF-style: chr1-11957921-T-C. GRCh37 (hg19) VCF-style: chr1-12017978-T-C.
Other names: c.962T>C, p.Leu321Ser (NM_001316320.2); short protein forms L274S, L321S.
Identifiers: ClinVar variation 2564998 (VCV002564998.2), dbSNP rs1357310565, ClinGen allele CA338432873.

ClinVar aggregate classification (germline): Uncertain significance (1 of 4 stars; one submission).

Conditions:
Familial thoracic aortic aneurysm and aortic dissection (TAAD). Also called: Thoracic aortic aneurysms and dissections. Identifiers: Orphanet 91387, MedGen C4707243, MONDO:0019625.

Submission:

Ambry Genetics
Classification: Uncertain significance for Familial thoracic aortic aneurysm and aortic dissection. Last evaluated: 2023-04-14. Review status: criteria provided, single submitter. Criteria: Ambry Variant Classification Scheme 2023. Collection method: clinical testing. Allele origin: germline.
Comment: The p.L274S variant (also known as c.821T>C), located in coding exon 8 of the PLOD1 gene, results from a T to C substitution at nucleotide position 821. The leucine at codon 274 is replaced by serine, an amino acid with dissimilar properties. This amino acid position is conserved. In addition, the in silico prediction for this alteration is inconclusive. Since supporting evidence is limited at this time, the clinical significance of this alteration remains unclear.